The following is an entry in ClinVar:

NM_024675.4(PALB2):c.1141C>T (p.Leu381Phe)

Gene: PALB2 (partner and localizer of BRCA2; minus strand). Cytogenetic location: 16p12.2.
Variant type: single nucleotide variant.
Coding change: c.1141C>T on transcript NM_024675.4 (MANE Select); coding-DNA position 1141, C replaced by T.
Protein change: p.Leu381Phe; replaces leucine 381 with phenylalanine.
Molecular consequence: missense variant.
Genome position (GRCh38, 1-based): chr16:23,635,405, G>A on the plus strand (C>T on the coding strand, the complement: PALB2 is on the minus strand). VCF-style: chr16-23635405-G-A. GRCh37 (hg19) VCF-style: chr16-23646726-G-A.
Other names: short protein forms L381F.
Identifiers: ClinVar variation 484221 (VCV000484221.17), dbSNP rs1555461435, ClinGen allele CA395133592.

ClinVar aggregate classification (germline): Conflicting classifications of pathogenicity. Review status: criteria provided, conflicting classifications (1 of 4 stars). 3 submissions from 3 submitters: Uncertain significance (2); Likely benign (1). Last evaluated 2024-07-31.

Conditions:
Hereditary cancer-predisposing syndrome. Also called: Neoplastic Syndromes, Hereditary; Tumor predisposition; Hereditary Cancer Syndrome; Hereditary neoplastic syndrome. Identifiers: Orphanet 140162, MedGen C0027672, MeSH D009386, MONDO:0015356.
Familial cancer of breast. Also called: BREAST CANCER, FAMILIAL; Hereditary breast cancer; hereditary breast carcinoma. Identifiers: Orphanet 227535, MedGen C0346153, MONDO:0016419, OMIM 114480. Disease mechanism: loss of function.

Submissions (3):

Ambry Genetics
Classification: Likely benign for Hereditary cancer-predisposing syndrome. Last evaluated: 2024-07-31. Review status: criteria provided, single submitter. Criteria: Ambry Variant Classification Scheme 2023. Collection method: clinical testing. Allele origin: germline.

Labcorp Genetics (formerly Invitae), Labcorp
Classification: Uncertain significance for Familial cancer of breast. Last evaluated: 2024-06-19. Review status: criteria provided, single submitter. Criteria: Invitae Variant Classification Sherloc (09022015). Collection method: clinical testing. Allele origin: germline.
Comment: This sequence change replaces leucine, which is neutral and non-polar, with phenylalanine, which is neutral and non-polar, at codon 381 of the PALB2 protein (p.Leu381Phe). This variant is not present in population databases (gnomAD no frequency). This variant has not been reported in the literature in individuals affected with PALB2-related conditions. ClinVar contains an entry for this variant (Variation ID: 484221). Advanced modeling of protein sequence and biophysical properties (such as structural, functional, and spatial information, amino acid conservation, physicochemical variation, residue mobility, and thermodynamic stability) performed at Invitae indicates that this missense variant is not expected to disrupt PALB2 protein function with a negative predictive value of 80%. In summary, the available evidence is currently insufficient to determine the role of this variant in disease. Therefore, it has been classified as a Variant of Uncertain Significance.

Color Diagnostics, LLC DBA Color Health
Classification: Uncertain significance for Hereditary cancer-predisposing syndrome. Last evaluated: 2024-06-13. Review status: criteria provided, single submitter. Criteria: ACMG Guidelines, 2015. Collection method: clinical testing. Allele origin: germline.
Comment: This missense variant replaces leucine with phenylalanine at codon 381 of the PALB2 protein. Computational prediction suggests that this variant may not impact protein structure and function. To our knowledge, functional studies have not been reported for this variant. This variant has not been reported in individuals affected with PALB2-related disorders in the literature. This variant has not been identified in the general population by the Genome Aggregation Database (gnomAD). The available evidence is insufficient to determine the role of this variant in disease conclusively. Therefore, this variant is classified as a Variant of Uncertain Significance.